The following is an entry in ClinVar:

ClinVar aggregate classification (germline): Likely benign. Review status: criteria provided, multiple submitters, no conflicts (2 of 4 stars). 3 submissions from 3 submitters: Likely benign (3). Last evaluated 2026-05-01.

Allele frequency attached by ClinVar (database versions not stated): ESP Exome Variant Server 0.00062; gnomAD 0.00096; TOPMed 0.00097; gnomAD exomes 0.00172.
gnomAD v4.1: 2,553 of 1,563,416 alleles (0.16%); highest among the groups gnomAD compares: Non-Finnish European, 0.21%; 2 homozygotes.

Submissions (3):

CeGaT Center for Human Genetics Tuebingen
Classification: Likely benign. Last evaluated: 2026-05-01. Review status: criteria provided, single submitter. Criteria: CeGaT Center For Human Genetics Tuebingen Variant Classification Criteria Version 2. Collection method: clinical testing. Allele origin: germline. Affected: yes. Observed: 6 variant alleles.
Comment: CNOT3: BS1

Labcorp Genetics (formerly Invitae), Labcorp
Classification: Likely benign. Last evaluated: 2025-04-14. Review status: criteria provided, single submitter. Criteria: Invitae Variant Classification Sherloc (09022015). Collection method: clinical testing. Allele origin: germline.

Blueprint Genetics
Classification: Likely benign. Last evaluated: 2024-11-25. Review status: criteria provided, single submitter. Criteria: ACMG Guidelines, 2015. Collection method: clinical testing. Allele origin: germline.

NM_014516.4(CNOT3):c.1136C>G (p.Ala379Gly)

Gene: CNOT3 (CCR4-NOT transcription complex subunit 3; plus strand). Cytogenetic location: 19q13.42.
Variant type: single nucleotide variant.
Coding change: c.1136C>G on transcript NM_014516.4 (MANE Select); coding-DNA position 1136, C replaced by G.
Protein change: p.Ala379Gly; replaces alanine 379 with glycine.
Molecular consequence: missense variant.
Genome position (GRCh38, 1-based): chr19:54,148,389, C>G. VCF-style: chr19-54148389-C-G. GRCh37 (hg19) VCF-style: chr19-54652124-C-G.
Other names: short protein forms A379G.
Identifiers: ClinVar variation 1971105 (VCV001971105.30), dbSNP rs184037221, ClinGen allele CA407764073.
Genomic context (GRCh38, chr19:54,148,389, plus strand): 5'-CAGCTCCCAGCCACAACTCGGGCACCCCTGCTCCCTATGCCCAGGCTGTGGCCCCACCAG[C>G]TCCCAGTGGGCCCAGCACGACCCAGCCCCGGCCCCCCAGCGTCCAGCCTAGCGGAGGCGG-3'
Protein context (NP_055331.1, residues 369-389): APYAQAVAPP[Ala379Gly]PSGPSTTQPR